The following is an entry in ClinVar:

ClinVar aggregate classification (germline): Uncertain significance. Review status: criteria provided, multiple submitters, no conflicts (2 of 4 stars). 3 submissions from 3 submitters: Uncertain significance (2). 1 of the submissions does not count toward it. Last evaluated 2025-12-13.

Conditions:
Werner syndrome (WRN). Identifiers: Orphanet 902, MedGen C0043119, MONDO:0010196, OMIM 277700.

Allele frequency attached by ClinVar (database versions not stated): gnomAD exomes 0.00004; ExAC 0.00006; TOPMed 0.00010; gnomAD 0.00011; ESP Exome Variant Server 0.00038.
gnomAD v4.1: 136 of 1,613,940 alleles (0.0084%); highest among the groups gnomAD compares: African/African-American, 0.015%; no homozygotes.

Submissions (3):

Labcorp Genetics (formerly Invitae), Labcorp
Classification: Uncertain significance for Werner syndrome. Last evaluated: 2025-12-13. Review status: criteria provided, single submitter. Criteria: Invitae Variant Classification Sherloc (09022015). Collection method: clinical testing. Allele origin: germline.
Comment: This sequence change replaces arginine, which is basic and polar, with tryptophan, which is neutral and slightly polar, at codon 1033 of the WRN protein (p.Arg1033Trp). This variant is present in population databases (rs143954702, gnomAD 0.02%). This variant has not been reported in the literature in individuals affected with WRN-related conditions. ClinVar contains an entry for this variant (Variation ID: 135426). An algorithm developed to predict the effect of missense changes on protein structure and function (PolyPhen-2) suggests that this variant is likely to be disruptive. In summary, the available evidence is currently insufficient to determine the role of this variant in disease. Therefore, it has been classified as a Variant of Uncertain Significance.

Fulgent Genetics
Classification: Uncertain significance for Werner syndrome. Last evaluated: 2024-01-03. Review status: criteria provided, single submitter. Criteria: ACMG Guidelines, 2015. Collection method: clinical testing. Allele origin: germline.

ITMI
No classification provided. Condition: AllHighlyPenetrant. Last evaluated: 2013-09-19. Review status: no classification provided. Collection method: reference population. Allele origin: germline. Not counted in ClinVar's aggregate classification.
Comment: Please see associated publication for description of ethnicities

Literature cited by the submitters: PubMed 24728327 (cited by ITMI).

NM_000553.6(WRN):c.3097C>T (p.Arg1033Trp)

Gene: WRN (WRN RecQ like helicase; plus strand). Cytogenetic location: 8p12.
Variant type: single nucleotide variant.
Coding change: c.3097C>T on transcript NM_000553.6 (MANE Select); coding-DNA position 3097, C replaced by T.
Protein change: p.Arg1033Trp; replaces arginine 1033 with tryptophan.
Molecular consequence: missense variant.
Genome position (GRCh38, 1-based): chr8:31,141,559, C>T. VCF-style: chr8-31141559-C-T. GRCh37 (hg19) VCF-style: chr8-30999075-C-T.
Other names: short protein forms R1033W.
Identifiers: ClinVar variation 135426 (VCV000135426.9), dbSNP rs143954702, ClinGen allele CA162728.
Genomic context (GRCh38, chr8:31,141,559, plus strand): 5'-AGTTGGTGGAAGGCTTTTTCCCGTCAGCTGATCACTGAGGGATTCTTGGTAGAAGTTTCT[C>T]GGTATAACAAATTTATGAAGATTTGCGCCCTTACGAAAAAGGTAAACGGTGTAGGAGTCT-3'
Protein context (NP_000544.2, residues 1023-1043): ITEGFLVEVS[Arg1033Trp]YNKFMKICAL